The following is an entry in ClinVar:

NM_000246.4(CIITA):c.*690C>T

Gene: CIITA (class II major histocompatibility complex transactivator; plus strand). Cytogenetic location: 16p13.13.
Variant type: single nucleotide variant.
Coding change: c.*690C>T on transcript NM_000246.4 (MANE Select); 690 bases downstream of the stop codon, C replaced by T.
Molecular consequence: 3 prime UTR variant. On other transcripts: non-coding transcript variant (1), intron variant (5).
Genome position (GRCh38, 1-based): chr16:10,924,545, C>T. VCF-style: chr16-10924545-C-T. GRCh37 (hg19) VCF-style: chr16-11018402-C-T.
Other names: c.*690C>T (NM_001286402.1, NM_001286403.2); c.*22+1220C>T (NM_001379332.1, NM_001379330.1, NM_001379333.1 and 2 more transcripts).
Identifiers: ClinVar variation 317744 (VCV000317744.6), dbSNP rs11074940, ClinGen allele CA10646938.

ClinVar aggregate classification (germline): Benign. Review status: criteria provided, multiple submitters, no conflicts (2 of 4 stars). 2 submissions from 2 submitters: Benign (2). Last evaluated 2018-01-12.

Conditions:
MHC class II deficiency. Also called: Bare lymphocyte syndrome 2; BLS, TYPE II. Identifiers: Orphanet 572, MedGen C5447452, MONDO:0008855.

Allele frequency attached by ClinVar (database versions not stated): 1000 Genomes Project 30x 0.02577; TOPMed 0.03594; 1000 Genomes Project 0.02656; gnomAD 0.03914 and 0.03881; gnomAD exomes 0.09375.
gnomAD v4.1: 5,923 of 152,434 alleles (3.9%); highest among the groups gnomAD compares: Non-Finnish European, 6.2%; 182 homozygotes.

Submissions (2):

Illumina Laboratory Services, Illumina
Classification: Benign for MHC class II deficiency 1. Last evaluated: 2018-01-12. Review status: criteria provided, single submitter. Criteria: ICSL Variant Classification Criteria 13 December 2019. Collection method: clinical testing. Allele origin: germline.
Comment: This variant was observed in the ICSL laboratory as part of a predisposition screen in an ostensibly healthy population. It had not been previously curated by ICSL or reported in the Human Gene Mutation Database (HGMD: prior to June 1st, 2018), and was therefore a candidate for classification through an automated scoring system. Utilizing variant allele frequency, disease prevalence and penetrance estimates, and inheritance mode, an automated score was calculated to assess if this variant is too frequent to cause the disease. Based on the score and internal cut-off values, a variant classified as benign is not then subjected to further curation. The score for this variant resulted in a classification of benign for this disease.

Breakthrough Genomics
Classification: Benign. Review status: criteria provided, single submitter. Criteria: ACMG Guidelines, 2015. Collection method: not provided. Allele origin: germline. Inheritance: Autosomal recessive inheritance. Affected: yes.